The following is an entry in ClinVar:

ClinVar aggregate classification (germline): Uncertain significance (1 of 4 stars; one submission).

gnomAD v4.1: 123 of 1,609,148 alleles (0.0076%); highest among the groups gnomAD compares: Non-Finnish European, 0.01%; no homozygotes.

Submission:

Labcorp Genetics (formerly Invitae), Labcorp
Classification: Uncertain significance. Last evaluated: 2025-08-24. Review status: criteria provided, single submitter. Criteria: Invitae Variant Classification Sherloc (09022015). Collection method: clinical testing. Allele origin: germline.
Comment: This sequence change replaces leucine, which is neutral and non-polar, with phenylalanine, which is neutral and non-polar, at codon 528 of the RELA protein (p.Leu528Phe). This variant is present in population databases (rs201037601, gnomAD 0.002%). This variant has not been reported in the literature in individuals affected with RELA-related conditions. ClinVar contains an entry for this variant (Variation ID: 3706088). An algorithm developed to predict the effect of missense changes on protein structure and function (PolyPhen-2) suggests that this variant is likely to be disruptive. In summary, the available evidence is currently insufficient to determine the role of this variant in disease. Therefore, it has been classified as a Variant of Uncertain Significance.

NM_021975.4(RELA):c.1582C>T (p.Leu528Phe)

Gene: RELA (RELA proto-oncogene, NF-kB subunit; minus strand). Cytogenetic location: 11q13.1.
Variant type: single nucleotide variant.
Coding change: c.1582C>T on transcript NM_021975.4 (MANE Select); coding-DNA position 1582, C replaced by T.
Protein change: p.Leu528Phe; replaces leucine 528 with phenylalanine.
Molecular consequence: missense variant.
Genome position (GRCh38, 1-based): chr11:65,654,452, G>A on the plus strand (C>T on the coding strand, the complement: RELA is on the minus strand). VCF-style: chr11-65654452-G-A. GRCh37 (hg19) VCF-style: chr11-65421923-G-A.
Other names: c.1573C>T, p.Leu525Phe (NM_001145138.2); c.1375C>T, p.Leu459Phe (NM_001243984.2); c.1273C>T, p.Leu425Phe (NM_001243985.2); c.1615C>T, p.Leu539Phe (NM_001404657.1); c.1555C>T, p.Leu519Phe (NM_001404658.1); c.1369C>T, p.Leu457Phe (NM_001404659.1); c.1264C>T, p.Leu422Phe (NM_001404660.1); c.1201C>T, p.Leu401Phe (NM_001404661.1); and 1 more; short protein forms L401F, L459F, L525F, L539F, L497F, L422F, L457F, L519F.
Identifiers: ClinVar variation 3706088 (VCV003706088.2).
Genomic context (GRCh38, chr11:65,654,452, plus strand): 5'-GACTCAGCAGGGCTGAGAAGTCCATGTCCGCAATGGAGGAGAAGTCTTCATCTCCTGAAA[G>A]GAGGCCATTGGGGAGCCCCGGGGCCCCCAGTGGAGCAGGAGCTGGGTCGGGGGGCCTCTG-3'
Protein context (NP_068810.3, residues 518-538): LGAPGLPNGL[Leu528Phe]SGDEDFSSIA